The following is an entry in ClinVar:

ClinVar aggregate classification (germline): Pathogenic. Review status: criteria provided, multiple submitters, no conflicts (2 of 4 stars). 5 submissions from 5 submitters: Pathogenic (5). Last evaluated 2026-02-26.

Conditions:
Glycogen storage disease, type VII (GSD7). Also called: GSD VII; MUSCLE PHOSPHOFRUCTOKINASE DEFICIENCY; PFKM DEFICIENCY; TARUI DISEASE. Identifiers: Orphanet 371, MedGen C0017926, MONDO:0009295, OMIM 232800.

Allele frequency attached by ClinVar (database versions not stated): gnomAD 0.00001; ESP Exome Variant Server 0.00008; TOPMed below 0.00001; ExAC 0.00002.
gnomAD v4.1: 14 of 1,614,030 alleles (0.00087%); highest among the groups gnomAD compares: Middle Eastern, 0.016%; no homozygotes.

Submissions (5):

Laboratorio de Genetica e Diagnostico Molecular, Hospital Israelita Albert Einstein
Classification: Pathogenic for Glycogen storage disease, type VII. Last evaluated: 2026-02-26. Review status: criteria provided, single submitter. Criteria: ACMG Guidelines, 2015. Collection method: clinical testing. Allele origin: germline. Affected: yes.
Comment: ACMG classification criteria: PVS1 very strong, PM2 supporting, PM3 supporting

Natera, Inc.
Classification: Pathogenic for Glycogen storage disease type VII. Last evaluated: 2025-02-13. Review status: criteria provided, single submitter. Criteria: Natera Variant Classification Schema (03/2026). Collection method: clinical testing. Allele origin: germline.
Comment: The c.292C>T variant in PFKM is a nonsense variant predicted to introduce a stop codon at amino acid 98. This variant is expected to result in nonsense mediated decay, truncation, or a dysfunctional protein product. This variant is rare in the general population with a frequency below the threshold expected for the associated phenotype(s). This variant has been observed in one or more individuals affected with the associated recessive disease, as either homozygous or compound heterozygous with a second variant (PMID: 24011984). Functional studies show that this variant may disrupt protein function (PMID: 24011984). Given the available evidence, this variant is classified as Pathogenic.

Myriad Genetics, Inc.
Classification: Pathogenic for Glycogen storage disease, type VII. Last evaluated: 2024-05-06. Review status: criteria provided, single submitter. Criteria: Myriad Autosomal Dominant, Autosomal Recessive and X-Linked Classification Criteria (2023). Collection method: clinical testing. Allele origin: unknown.
Comment: NM_001166686.1(PFKM):c.505C>T(R169*) is expected to be pathogenic in the context of glycogen storage disease, PFKM-related. This variant is predicted to lead to an abnormal or absent protein product due to the creation of a premature termination codon in PFKM, a gene where loss-of-function variants are known to be pathogenic. Please note: this variant was assessed in the context of healthy population screening.

Fulgent Genetics
Classification: Pathogenic for Glycogen storage disease, type VII. Last evaluated: 2024-02-24. Review status: criteria provided, single submitter. Criteria: ACMG Guidelines, 2015. Collection method: clinical testing. Allele origin: germline.

Labcorp Genetics (formerly Invitae), Labcorp
Classification: Pathogenic for Glycogen storage disease, type VII. Last evaluated: 2023-06-03. Review status: criteria provided, single submitter. Criteria: Invitae Variant Classification Sherloc (09022015). Collection method: clinical testing. Allele origin: germline.
Comment: This sequence change creates a premature translational stop signal (p.Arg98*) in the PFKM gene. It is expected to result in an absent or disrupted protein product. Loss-of-function variants in PFKM are known to be pathogenic (PMID: 7825568, 8037209). For these reasons, this variant has been classified as Pathogenic. ClinVar contains an entry for this variant (Variation ID: 844552). This premature translational stop signal has been observed in individual(s) with glycogen storage disease type VII (PMID: 24011984). This variant is present in population databases (rs138893744, gnomAD 0.002%).

Literature cited by the submitters: PubMed 24011984 (cited by Natera, Inc. and Labcorp Genetics (formerly Invitae), Labcorp); PubMed 7825568 (cited by Labcorp Genetics (formerly Invitae), Labcorp); PubMed 8037209 (cited by Labcorp Genetics (formerly Invitae), Labcorp).

NM_000289.6(PFKM):c.292C>T (p.Arg98Ter)

Gene: PFKM (phosphofructokinase, muscle; plus strand). Cytogenetic location: 12q13.11.
Variant type: single nucleotide variant.
Coding change: c.292C>T on transcript NM_000289.6 (MANE Select); coding-DNA position 292, C replaced by T.
Protein change: p.Arg98Ter; replaces arginine 98 with a stop codon.
Molecular consequence: nonsense. On other transcripts: non-coding transcript variant (6).
Genome position (GRCh38, 1-based): chr12:48,132,922, C>T. VCF-style: chr12-48132922-C-T. GRCh37 (hg19) VCF-style: chr12-48526705-C-T.
Other names: c.505C>T, p.Arg169Ter (NM_001166686.2, NM_001354737.1, NM_001354738.1 and 1 more transcripts); c.292C>T, p.Arg98Ter (NM_001166687.2, NM_001166688.2, NM_001354742.2 and 4 more transcripts); c.601C>T, p.Arg201Ter (NM_001354735.1, NM_001354736.1); c.436C>T, p.Arg146Ter (NM_001354740.1); c.316C>T, p.Arg106Ter (NM_001354741.2); c.205C>T, p.Arg69Ter (NM_001354745.2); c.142C>T, p.Arg48Ter (NM_001354747.2, NM_001354748.2); short protein forms R169*, R201*, R69*, R146*, R48*, R98*, R106*.
Identifiers: ClinVar variation 844552 (VCV000844552.17), dbSNP rs138893744, ClinGen allele CA6536959.